The following is an entry in ClinVar:

ClinVar aggregate classification (germline): Likely benign. Review status: criteria provided, single submitter (1 of 4 stars). 2 submissions from 2 submitters: Likely benign (1). 1 of the submissions does not count toward it. Last evaluated 2025-07-13.

Conditions:
CFTR-related disorder (CFTR-RD). Also called: CFTR-related condition; CFTR-related disorders. Identifiers: MedGen C5924204, MONDO:7770004.
Cystic fibrosis (CF). Also called: MUCOVISCIDOSIS. Identifiers: Orphanet 586, MedGen C0010674, MONDO:0009061, OMIM 219700. Disease mechanism: loss of function.

Allele frequency attached by ClinVar (database versions not stated): gnomAD 0.00001; TOPMed below 0.00001.
gnomAD v4.1: 3 of 1,591,954 alleles (0.00019%); highest among the groups gnomAD compares: African/African-American, 0.004%; no homozygotes.

Submissions (2):

Labcorp Genetics (formerly Invitae), Labcorp
Classification: Likely benign for Cystic fibrosis. Last evaluated: 2025-07-13. Review status: criteria provided, single submitter. Criteria: Invitae Variant Classification Sherloc (09022015). Collection method: clinical testing. Allele origin: germline.

PreventionGenetics, part of Exact Sciences
Classification: Likely benign for CFTR-related condition. Last evaluated: 2021-04-14. Review status: no assertion criteria provided. Collection method: clinical testing. Allele origin: germline. Not counted in ClinVar's aggregate classification.
Comment: This variant is classified as likely benign based on ACMG/AMP sequence variant interpretation guidelines (Richards et al. 2015 PMID: 25741868, with internal and published modifications).

NM_000492.4(CFTR):c.489+7C>T

Gene: CFTR (CF transmembrane conductance regulator; plus strand). Cytogenetic location: 7q31.2.
Variant type: single nucleotide variant.
Coding change: c.489+7C>T on transcript NM_000492.4 (MANE Select); 7 bases into the intron after coding-DNA position 489, C replaced by T.
Molecular consequence: intron variant.
Genome position (GRCh38, 1-based): chr7:117,531,121, C>T. VCF-style: chr7-117531121-C-T. GRCh37 (hg19) VCF-style: chr7-117171175-C-T.
Other names: c.489+7C>T (NM_000492.3).
Identifiers: ClinVar variation 1114779 (VCV001114779.11), dbSNP rs770608125, ClinGen allele CA1106307685.